The following is an entry in ClinVar:

NM_025114.4(CEP290):c.250+10T>C

Gene: CEP290 (centrosomal protein 290; minus strand). Cytogenetic location: 12q21.32.
Variant type: single nucleotide variant.
Coding change: c.250+10T>C on transcript NM_025114.4 (MANE Select); 10 bases into the intron after coding-DNA position 250, T replaced by C.
Molecular consequence: intron variant.
Genome position (GRCh38, 1-based): chr12:88,139,485, A>G on the plus strand (T>C on the coding strand, the complement: CEP290 is on the minus strand). VCF-style: chr12-88139485-A-G. GRCh37 (hg19) VCF-style: chr12-88533262-A-G.
Other names: c.250+10T>C (NM_025114.3).
Identifiers: ClinVar variation 1141096 (VCV001141096.14), dbSNP rs1317384355, ClinGen allele CA606455736.

ClinVar aggregate classification (germline): Likely benign. Review status: criteria provided, single submitter (1 of 4 stars). 2 submissions from 2 submitters: Likely benign (1). 1 of the submissions does not count toward it. Last evaluated 2023-11-02.

Conditions:
Joubert syndrome. Also called: CEREBELLOPARENCHYMAL DISORDER IV; JOUBERT-BOLTSHAUSER SYNDROME; Familial aplasia of the vermis. Identifiers: Orphanet 475, MedGen C5979921, MONDO:0018772.
Nephronophthisis. Also called: Juvenile Nephronophthisis. Identifiers: Orphanet 655, MedGen C0687120, MONDO:0019005, HP:0000090.
Meckel-Gruber syndrome. Also called: DYSENCEPHALIA SPLANCHNOCYSTICA; GRUBER SYNDROME; Dysencephalia splachnocystica. Identifiers: Orphanet 564, MedGen C0265215, MONDO:0018921.
CEP290-related disorder. Also called: CEP290-related disorders; CEP290-related condition. Identifiers: MedGen CN239314.

gnomAD v4.1: 2 of 1,594,230 alleles (0.00013%); highest among the groups gnomAD compares: Non-Finnish European, 0.00017%; no homozygotes.

Submissions (2):

Labcorp Genetics (formerly Invitae), Labcorp
Classification: Likely benign for Joubert syndrome; Meckel-Gruber syndrome; Nephronophthisis. Last evaluated: 2023-11-02. Review status: criteria provided, single submitter. Criteria: Invitae Variant Classification Sherloc (09022015). Collection method: clinical testing. Allele origin: germline.

PreventionGenetics, part of Exact Sciences
Classification: Likely benign for CEP290-related condition. Last evaluated: 2021-04-06. Review status: no assertion criteria provided. Collection method: clinical testing. Allele origin: germline. Not counted in ClinVar's aggregate classification.
Comment: This variant is classified as likely benign based on ACMG/AMP sequence variant interpretation guidelines (Richards et al. 2015 PMID: 25741868, with internal and published modifications).